The following is an entry in ClinVar:

NM_006904.7(PRKDC):c.4052C>G (p.Thr1351Ser)

Gene: PRKDC (protein kinase, DNA-activated, catalytic subunit; minus strand). Cytogenetic location: 8q11.21.
Variant type: single nucleotide variant.
Coding change: c.4052C>G on transcript NM_006904.7 (MANE Select); coding-DNA position 4052, C replaced by G.
Protein change: p.Thr1351Ser; replaces threonine 1351 with serine.
Molecular consequence: missense variant.
Genome position (GRCh38, 1-based): chr8:47,890,276, G>C on the plus strand (C>G on the coding strand, the complement: PRKDC is on the minus strand). VCF-style: chr8-47890276-G-C. GRCh37 (hg19) VCF-style: chr8-48802837-G-C.
Other names: c.4052C>G, p.Thr1351Ser (NM_001081640.2); short protein forms T1351S.
Identifiers: ClinVar variation 653854 (VCV000653854.6), dbSNP rs1487381864, ClinGen allele CA371148278.
Genomic context (GRCh38, chr8:47,890,276, plus strand): 5'-CCAGTACCAAAAACTGACCTCAAATTAACAGAGCAGCCTACCTTCCATCCTTCCGGGGAG[G>C]TGTTTAGCAGAGTCGTGGTAAACTCCATAATCCGGACCACAACGGTGCATTTGCTGTAGT-3'
Protein context (NP_008835.5, residues 1341-1361): IMEFTTTLLN[Thr1351Ser]SPEGWKLLKK

ClinVar aggregate classification (germline): Uncertain significance (1 of 4 stars; one submission).

Conditions:
Severe combined immunodeficiency due to DNA-PKcs deficiency. Also called: IMMUNODEFICIENCY 26 WITH NEUROLOGIC ABNORMALITIES; Immunodeficiency 26 with or without neurologic abnormalities. Identifiers: Orphanet 317425, MedGen C4014833, MONDO:0014423, OMIM 615966.

Submission:

Labcorp Genetics (formerly Invitae), Labcorp
Classification: Uncertain significance for Severe combined immunodeficiency due to DNA-PKcs deficiency. Last evaluated: 2022-02-05. Review status: criteria provided, single submitter. Criteria: Invitae Variant Classification Sherloc (09022015). Collection method: clinical testing. Allele origin: germline.
Comment: In summary, the available evidence is currently insufficient to determine the role of this variant in disease. Therefore, it has been classified as a Variant of Uncertain Significance. ClinVar contains an entry for this variant (Variation ID: 653854). This variant has not been reported in the literature in individuals affected with PRKDC-related conditions. This variant is not present in population databases (gnomAD no frequency). This sequence change replaces threonine, which is neutral and polar, with serine, which is neutral and polar, at codon 1351 of the PRKDC protein (p.Thr1351Ser).